The following is an entry in ClinVar:

ClinVar aggregate classification (germline): Uncertain significance. Review status: criteria provided, multiple submitters, no conflicts (2 of 4 stars). 2 submissions from 2 submitters: Uncertain significance (2). Last evaluated 2025-09-30.

Conditions:
Supravalvar aortic stenosis (SVAS). Also called: Supravalvar aortic stenosis, Eisenberg type. Identifiers: Orphanet 3193, MedGen C0003499, MONDO:0008504, OMIM 185500, HP:0004381.

Submissions (2):

Labcorp Genetics (formerly Invitae), Labcorp
Classification: Uncertain significance for Supravalvar aortic stenosis. Last evaluated: 2025-09-30. Review status: criteria provided, single submitter. Criteria: Invitae Variant Classification Sherloc (09022015). Collection method: clinical testing. Allele origin: germline.
Comment: This variant, c.1073_1087del, results in the deletion of 5 amino acid(s) of the ELN protein (p.Gly358_Ala362del), but otherwise preserves the integrity of the reading frame. This variant is present in population databases (rs782156377, gnomAD 0.004%). This variant has not been reported in the literature in individuals affected with ELN-related conditions. ClinVar contains an entry for this variant (Variation ID: 1712569). Experimental studies and prediction algorithms are not available or were not evaluated, and the functional significance of this variant is currently unknown. In summary, the available evidence is currently insufficient to determine the role of this variant in disease. Therefore, it has been classified as a Variant of Uncertain Significance.

GeneDx
Classification: Uncertain significance. Last evaluated: 2022-04-26. Review status: criteria provided, single submitter. Criteria: GeneDx Variant Classification Process June 2021. Collection method: clinical testing. Allele origin: germline. Affected: yes.
Comment: Has not been previously published as pathogenic or benign to our knowledge; Not observed at significant frequency in large population cohorts (gnomAD); In-frame deletion of 5 amino acids in a non-repeat region; In silico analysis supports a deleterious effect on protein structure/function

NM_000501.4(ELN):c.1073_1087del (p.Gly358_Ala362del)

Gene: ELN (elastin; plus strand). Cytogenetic location: 7q11.23.
Variant type: Deletion.
Coding change: c.1073_1087del on transcript NM_000501.4 (MANE Select); coding-DNA positions 1073 to 1087, 15 bases deleted (GGATCCCAGGTGCTG).
Protein change: p.Gly358_Ala362del.
Molecular consequence: inframe deletion.
Genome position (GRCh38, 1-based): chr7:74,053,286-74,053,300, GGATCCCAGGTGCTG deleted; deleting any 15 consecutive bases within chr7:74,053,274-74,053,300 gives the same sequence; the c. name uses the placement nearest the transcript's 3' end. VCF-style (leftmost placement, unchanged base first): chr7-74053273-GTCCCAGGTGCTGGGA-G. GRCh37 (hg19) VCF-style: chr7-73467603-GTCCCAGGTGCTGGGA-G.
Other names: c.1043_1057del, p.Gly348_Ala352del (NM_001081752.3, NM_001278917.2); c.1088_1102del, p.Gly363_Ala367del (NM_001081753.3, NM_001081754.3); c.1073_1087del, p.Gly358_Ala362del (NM_001081755.3, NM_001278912.2, NM_001278915.2 and 1 more transcripts); c.965_979del, p.Gly322_Ala326del (NM_001278913.2); c.1058_1072del, p.Gly353_Ala357del (NM_001278914.2); c.1031_1045del, p.Gly344_Ala348del (NM_001278916.2); c.941_955del, p.Gly314_Ala318del (NM_001278918.2).
Identifiers: ClinVar variation 1712569 (VCV001712569.7), dbSNP rs782156377, ClinGen allele CA4292814.